The following is an entry in ClinVar:

ClinVar aggregate classification (germline): Benign/Likely benign. Review status: criteria provided, multiple submitters, no conflicts (2 of 4 stars). 5 submissions from 5 submitters: Benign (1); Likely benign (4). Last evaluated 2025-05-31.

Conditions:
Lynch syndrome. Identifiers: Orphanet 144, MedGen C4552100, MONDO:0005835. Disease mechanism: loss of function.
Lynch syndrome 5 (LYNCH5). Also called: Colorectal cancer, hereditary nonpolyposis, type 5; Hereditary non-polyposis colorectal cancer, type 5. Identifiers: Orphanet 144, MedGen C1833477, MONDO:0013710, OMIM 614350. Disease mechanism: loss of function.
Hereditary cancer-predisposing syndrome. Also called: Tumor predisposition; Neoplastic Syndromes, Hereditary; Hereditary Cancer Syndrome; Hereditary neoplastic syndrome. Identifiers: Orphanet 140162, MedGen C0027672, MeSH D009386, MONDO:0015356.
Hereditary nonpolyposis colorectal neoplasms. Identifiers: MedGen C0009405, MeSH D003123.

Submissions (5):

Ambry Genetics
Classification: Likely benign for Hereditary cancer-predisposing syndrome. Last evaluated: 2025-05-31. Review status: criteria provided, single submitter. Criteria: Ambry Variant Classification Scheme 2023. Collection method: clinical testing. Allele origin: germline.

Myriad Genetics, Inc.
Classification: Benign for Lynch syndrome 5. Last evaluated: 2024-12-30. Review status: criteria provided, single submitter. Criteria: Myriad Autosomal Dominant, Autosomal Recessive and X-Linked Classification Criteria (2023). Collection method: clinical testing. Allele origin: unknown.
Comment: This variant is considered benign. This variant is a silent/synonymous amino acid change and it is not expected to impact splicing.

Labcorp Genetics (formerly Invitae), Labcorp
Classification: Likely benign for Hereditary nonpolyposis colorectal neoplasms. Last evaluated: 2024-09-05. Review status: criteria provided, single submitter. Criteria: Invitae Variant Classification Sherloc (09022015). Collection method: clinical testing. Allele origin: germline.

All of Us Research Program, National Institutes of Health
Classification: Likely benign for Lynch syndrome. Last evaluated: 2023-06-08. Review status: criteria provided, single submitter. Criteria: ACMG Guidelines, 2015. Collection method: clinical testing. Allele origin: germline. Inheritance: Autosomal dominant inheritance. Observed: 1 variant allele, 1 heterozygote.
Comment: This study involves interpretation of variants in research participants for the purpose of population health screening. Participant phenotype was not available at the time of variant classification. Additional details can be found in publication PMID: 35346344, PMCID: PMC8962531

Color Diagnostics, LLC DBA Color Health
Classification: Likely benign for Hereditary cancer-predisposing syndrome. Last evaluated: 2023-04-05. Review status: criteria provided, single submitter. Criteria: ACMG Guidelines, 2015. Collection method: clinical testing. Allele origin: germline.

NM_000179.3(MSH6):c.1911C>A (p.Leu637=)

Gene: MSH6 (mutS homolog 6; plus strand). Cytogenetic location: 2p16.3.
Variant type: single nucleotide variant.
Coding change: c.1911C>A on transcript NM_000179.3 (MANE Select); coding-DNA position 1911, C replaced by A.
Protein change: p.Leu637=; no amino-acid change (leucine 637 retained).
Molecular consequence: synonymous variant.
Genome position (GRCh38, 1-based): chr2:47,799,894, C>A. VCF-style: chr2-47799894-C-A. GRCh37 (hg19) VCF-style: chr2-48027033-C-A.
Other names: c.1521C>A, p.Leu507= (NM_001281492.2); c.1005C>A, p.Leu335= (NM_001281493.2, NM_001281494.2).
Identifiers: ClinVar variation 758262 (VCV000758262.15), dbSNP rs1572724900, ClinGen allele CA426121309.